The following is an entry in ClinVar:

ClinVar aggregate classification (germline): Uncertain significance (1 of 4 stars; one submission).

Conditions:
Cystic fibrosis (CF). Also called: MUCOVISCIDOSIS. Identifiers: Orphanet 586, MedGen C0010674, MONDO:0009061, OMIM 219700. Disease mechanism: loss of function.

gnomAD v4.1: 1 of 1,521,192 alleles (0.000066%); highest among the groups gnomAD compares: Non-Finnish European, 0.000088%; no homozygotes.

Submission:

Ambry Genetics
Classification: Uncertain significance for Cystic fibrosis. Last evaluated: 2025-05-19. Review status: criteria provided, single submitter. Criteria: Ambry Variant Classification Scheme 2023. Collection method: clinical testing. Allele origin: germline.
Comment: The p.L796Q variant (also known as c.2387T>A), located in coding exon 14 of the CFTR gene, results from a T to A substitution at nucleotide position 2387. The leucine at codon 796 is replaced by glutamine, an amino acid with dissimilar properties. This amino acid position is conserved. In addition, the in silico prediction for this alteration is inconclusive. Since supporting evidence is limited at this time, the clinical significance of this alteration remains unclear.

NM_000492.4(CFTR):c.2387T>A (p.Leu796Gln)

Gene: CFTR (CF transmembrane conductance regulator; plus strand). Cytogenetic location: 7q31.2.
Variant type: single nucleotide variant.
Coding change: c.2387T>A on transcript NM_000492.4 (MANE Select); coding-DNA position 2387, T replaced by A.
Protein change: p.Leu796Gln; replaces leucine 796 with glutamine.
Molecular consequence: missense variant.
Genome position (GRCh38, 1-based): chr7:117,592,554, T>A. VCF-style: chr7-117592554-T-A. GRCh37 (hg19) VCF-style: chr7-117232608-T-A.
Other names: short protein forms L796Q.
Identifiers: ClinVar variation 1790507 (VCV001790507.3), dbSNP rs1291965190, ClinGen allele CA368981106.